The following is an entry in ClinVar:

ClinVar aggregate classification (germline): Likely pathogenic. Review status: criteria provided, multiple submitters, no conflicts (2 of 4 stars). 2 submissions from 2 submitters: Likely pathogenic (2). Last evaluated 2025-10-18.

Conditions:
Autosomal recessive limb-girdle muscular dystrophy type 2J (LGMDR10). Also called: Limb-girdle muscular dystrophy, type 2J; MUSCULAR DYSTROPHY, LIMB-GIRDLE, AUTOSOMAL RECESSIVE 10. Identifiers: Orphanet 140922, MedGen C1837342, MONDO:0012127, OMIM 608807.
Dilated cardiomyopathy 1G (CMD1G). Identifiers: Orphanet 154, MedGen C1858763, MONDO:0011400, OMIM 604145.
Cardiovascular phenotype. Identifiers: MedGen CN230736.

Submissions (2):

Labcorp Genetics (formerly Invitae), Labcorp
Classification: Likely pathogenic for Dilated cardiomyopathy 1G; Autosomal recessive limb-girdle muscular dystrophy type 2J. Last evaluated: 2025-10-18. Review status: criteria provided, single submitter. Criteria: Invitae Variant Classification Sherloc (09022015). Collection method: clinical testing. Allele origin: germline.
Comment: This sequence change affects a donor splice site in intron 47 of the TTN gene. It is expected to disrupt RNA splicing and likely results in a truncated or disrupted TTN protein. This variant is not present in population databases (gnomAD no frequency). This variant has not been reported in the literature in individuals affected with TTN-related conditions. ClinVar contains an entry for this variant (Variation ID: 466781). Algorithms developed to predict the effect of sequence changes on RNA splicing suggest that this variant may disrupt the consensus splice site. This variant is located in the I band of TTN (PMID: 25589632). Truncating variants in this region have been reported in individuals affected with autosomal recessive centronuclear myopathy (PMID: 23975875, internal data). Truncating variants in this region have also been identified in individuals affected with autosomal dominant dilated cardiomyopathy and/or cardio-related conditions (PMID: 27869827, 32964742, internal data). In summary, the currently available evidence indicates that the variant is pathogenic, but additional data are needed to prove that conclusively. Therefore, this variant has been classified as Likely Pathogenic.

Ambry Genetics
Classification: Likely pathogenic for Cardiovascular phenotype. Last evaluated: 2020-11-23. Review status: criteria provided, single submitter. Criteria: Ambry Variant Classification Scheme 2023. Collection method: clinical testing. Allele origin: germline.
Comment: The c.10222+1G>T intronic variant results from a G to T substitution one nucleotide after coding exon 43 of the TTN gene. Exon 43 is located in the I-band region of the N2-B isoform of the titin protein and is constitutively expressed in TTN transcripts (percent spliced in or PSI 100%). This alteration disrupts the canonical splice site and is expected to cause aberrant splicing, resulting in an abnormal protein or a transcript that is subject to nonsense-mediated mRNA decay. While loss of function variants in TTN are present in 1-3% of the general population, truncating variants (a category that includes canonical splice site variants) in the I-band are the most common cause of dilated cardiomyopathy (DCM) (Herman DS et al. N. Engl. J. Med., 2012 Feb;366:619-28; Roberts AM et al. Sci Transl Med, 2015 Jan;7:270ra6). TTN truncating variants encoded in constitutive exons (PSI >90%) have been found to be significantly associated with DCM regardless of their position in titin (Schafer S et al. Nat. Genet., 2017 01;49:46-53). This variant was not reported in population-based cohorts in the Genome Aggregation Database (gnomAD). This nucleotide position is highly conserved in available vertebrate species. In silico splice site analysis predicts that this alteration will weaken the native splice donor site. Based on the majority of available evidence to date, this variant is likely to be pathogenic.

Literature cited by the submitters: PubMed 25589632 (cited by Labcorp Genetics (formerly Invitae), Labcorp); PubMed 23975875 (cited by Labcorp Genetics (formerly Invitae), Labcorp); PubMed 27869827 (cited by Labcorp Genetics (formerly Invitae), Labcorp); PubMed 32964742 (cited by Labcorp Genetics (formerly Invitae), Labcorp).

NM_001267550.2(TTN):c.11311+1G>T

Gene: TTN (titin; minus strand). Cytogenetic location: 2q31.2.
Variant type: single nucleotide variant.
Coding change: c.11311+1G>T on transcript NM_001267550.2 (MANE Select); the canonical splice donor site of the intron after coding-DNA position 11311, G replaced by T.
Molecular consequence: splice donor variant.
Genome position (GRCh38, 1-based): chr2:178,753,123, C>A on the plus strand (G>T on the coding strand, the complement: TTN is on the minus strand). VCF-style: chr2-178753123-C-A. GRCh37 (hg19) VCF-style: chr2-179617850-C-A.
Other names: c.10222+1G>T (NM_003319.4); c.10798+1G>T (NM_133437.4); c.10597+1G>T (NM_133432.3); c.10360+1G>T (NM_133378.4, NM_001256850.1, NM_133379.5).
Identifiers: ClinVar variation 466781 (VCV000466781.11), dbSNP rs1553963537, ClinGen allele CA349668262.